The following is an entry in ClinVar:

ClinVar aggregate classification (germline): Conflicting classifications of pathogenicity. Review status: criteria provided, conflicting classifications (1 of 4 stars). 3 submissions from 3 submitters: Uncertain significance (2); Likely benign (1). Last evaluated 2025-06-15.

Conditions:
Charcot-Marie-Tooth disease type 4. Also called: Charcot-Marie-Tooth disease, type IV; Charcot-Marie-Tooth, Type 4. Identifiers: Orphanet 64749, MedGen C4082197, MONDO:0018995.
Inborn genetic diseases. Identifiers: MedGen C0950123, MeSH D030342.

Allele frequency attached by ClinVar (database versions not stated): gnomAD 0.00001 and 0.00002; TOPMed 0.00001; ExAC 0.00003.
gnomAD v4.1: 40 of 1,614,086 alleles (0.0025%); highest among the groups gnomAD compares: Middle Eastern, 0.033%; no homozygotes.

Submissions (3):

Labcorp Genetics (formerly Invitae), Labcorp
Classification: Likely benign for Charcot-Marie-Tooth disease type 4. Last evaluated: 2025-06-15. Review status: criteria provided, single submitter. Criteria: Invitae Variant Classification Sherloc (09022015). Collection method: clinical testing. Allele origin: germline.

GeneDx
Classification: Uncertain significance. Last evaluated: 2024-12-05. Review status: criteria provided, single submitter. Criteria: GeneDx Variant Classification Process June 2021. Collection method: clinical testing. Allele origin: germline. Affected: yes.
Comment: In silico analysis indicates that this missense variant does not alter protein structure/function; Has not been previously published as pathogenic or benign to our knowledge

Ambry Genetics
Classification: Uncertain significance for Inborn genetic diseases. Last evaluated: 2020-11-19. Review status: criteria provided, single submitter. Criteria: Ambry Variant Classification Scheme 2023. Collection method: clinical testing. Allele origin: germline.
Comment: The p.H1180N variant (also known as c.3538C>A), located in coding exon 16 of the SH3TC2 gene, results from a C to A substitution at nucleotide position 3538. The histidine at codon 1180 is replaced by asparagine, an amino acid with similar properties. This amino acid position is not well conserved in available vertebrate species, and asparagine is the reference amino acid in other vertebrate species. In addition, this alteration is predicted to be tolerated by in silico analysis. Since supporting evidence is limited at this time, the clinical significance of this alteration remains unclear.

NM_024577.4(SH3TC2):c.3538C>A (p.His1180Asn)

Gene: SH3TC2 (SH3 domain and tetratricopeptide repeats 2; minus strand). Cytogenetic location: 5q32.
Variant type: single nucleotide variant.
Coding change: c.3538C>A on transcript NM_024577.4 (MANE Select); coding-DNA position 3538, C replaced by A.
Protein change: p.His1180Asn; replaces histidine 1180 with asparagine.
Molecular consequence: missense variant.
Genome position (GRCh38, 1-based): chr5:149,007,018, G>T on the plus strand (C>A on the coding strand, the complement: SH3TC2 is on the minus strand). VCF-style: chr5-149007018-G-T. GRCh37 (hg19) VCF-style: chr5-148386581-G-T.
Other names: short protein forms H1180N.
Identifiers: ClinVar variation 946169 (VCV000946169.10), dbSNP rs201876002, ClinGen allele CA3498685.